The following is an entry in ClinVar:

ClinVar aggregate classification (germline): Pathogenic/Likely pathogenic. Review status: criteria provided, multiple submitters, no conflicts (2 of 4 stars). 5 submissions from 5 submitters: Pathogenic (3); Likely pathogenic (1). 1 of the submissions does not count toward it. Last evaluated 2024-07-06.

Conditions:
NAGLU-related disorder. Also called: NAGLU-related condition.
Mucopolysaccharidosis, MPS-III-B (MPS3B). Also called: N-ACETYL-ALPHA-D-GLUCOSAMINIDASE DEFICIENCY; NAGLU DEFICIENCY; MPS III B; MUCOPOLYSACCHARIDOSIS, TYPE IIIB; SANFILIPPO SYNDROME B; MPS IIIB (Sanfilippo Syndrome Type B). Identifiers: Orphanet 79270, MedGen C0086648, MONDO:0009656, OMIM 252920.
Charcot-Marie-Tooth disease axonal type 2V. Also called: CHARCOT-MARIE-TOOTH NEUROPATHY, TYPE 2V; CHARCOT-MARIE-TOOTH DISEASE, AXONAL, AUTOSOMAL DOMINANT, TYPE 2V. Identifiers: Orphanet 447964, MedGen C5569050, MONDO:0014665, OMIM 616491.

Allele frequency attached by ClinVar (database versions not stated): gnomAD exomes 0.00001; ExAC 0.00012; gnomAD 0.00001.

Submissions (5):

GeneDx
Classification: Pathogenic. Last evaluated: 2024-07-06. Review status: criteria provided, single submitter. Criteria: GeneDx Variant Classification Process June 2021. Collection method: clinical testing. Allele origin: germline. Affected: yes.
Comment: Published functional studies demonstrate a damaging effect: null enzyme activity measured compared to wild type (PMID: 29979746); Canonical splice site variant predicted to result in a null allele in a gene for which loss of function is a known mechanism of disease; Not observed at significant frequency in large population cohorts (gnomAD); This variant is associated with the following publications: (PMID: 31590383, 29979746, 31965290, 30070758)

Labcorp Genetics (formerly Invitae), Labcorp
Classification: Pathogenic for Charcot-Marie-Tooth disease axonal type 2V; Mucopolysaccharidosis, MPS-III-B. Last evaluated: 2023-08-27. Review status: criteria provided, single submitter. Criteria: Invitae Variant Classification Sherloc (09022015). Collection method: clinical testing. Allele origin: germline.
Comment: For these reasons, this variant has been classified as Pathogenic. Disruption of this splice site has been observed in individual(s) with autosomal recessive mucopolysaccharidosis type IIIB (PMID: 30070758). Algorithms developed to predict the effect of sequence changes on RNA splicing suggest that this variant may disrupt the consensus splice site. ClinVar contains an entry for this variant (Variation ID: 167321). The frequency data for this variant in the population databases is considered unreliable, as metrics indicate poor data quality at this position in the gnomAD database. This sequence change affects a donor splice site in intron 1 of the NAGLU gene. It is expected to disrupt RNA splicing. Variants that disrupt the donor or acceptor splice site typically lead to a loss of protein function (PMID: 16199547), and loss-of-function variants in NAGLU are known to be pathogenic (PMID: 9832037, 10094189, 16151907).

Blueprint Genetics
Classification: Likely pathogenic for NAGLU-related disorders. Last evaluated: 2021-12-10. Review status: criteria provided, single submitter. Criteria: ACMG Guidelines, 2015. Collection method: clinical testing. Allele origin: germline. Affected: yes. Observed: 1 variant allele.

Eurofins Ntd Llc (ga)
Classification: Pathogenic. Last evaluated: 2013-12-19. Review status: criteria provided, single submitter. Criteria: EGL Classification Definitions 2015. Collection method: clinical testing. Allele origin: germline. Observed: 1 variant allele, 1 heterozygote.

Counsyl
Classification: Likely pathogenic for Mucopolysaccharidosis, MPS-III-B. Last evaluated: 2018-03-06. Review status: no assertion criteria provided. Collection method: clinical testing. Allele origin: unknown. Not counted in ClinVar's aggregate classification.

Literature cited by the submitters: PubMed 30070758 (cited by Labcorp Genetics (formerly Invitae), Labcorp); PubMed 16199547 (cited by Labcorp Genetics (formerly Invitae), Labcorp); PubMed 9832037 (cited by Labcorp Genetics (formerly Invitae), Labcorp); PubMed 10094189 (cited by Labcorp Genetics (formerly Invitae), Labcorp); PubMed 16151907 (cited by Labcorp Genetics (formerly Invitae), Labcorp).

NM_000263.4(NAGLU):c.383+1G>T

Gene: NAGLU (N-acetyl-alpha-glucosaminidase; plus strand). Cytogenetic location: 17q21.2.
Variant type: single nucleotide variant.
Coding change: c.383+1G>T on transcript NM_000263.4 (MANE Select); the canonical splice donor site of the intron after coding-DNA position 383, G replaced by T.
Molecular consequence: splice donor variant.
Genome position (GRCh38, 1-based): chr17:42,536,656, G>T. VCF-style: chr17-42536656-G-T. GRCh37 (hg19) VCF-style: chr17-40688674-G-T.
Identifiers: ClinVar variation 167321 (VCV000167321.13), dbSNP rs727504028, ClinGen allele CA234307.